The following is an entry in ClinVar:

ClinVar aggregate classification (germline): Benign. Review status: criteria provided, multiple submitters, no conflicts (2 of 4 stars). 2 submissions from 2 submitters: Benign (2). Last evaluated 2018-06-18.

Allele frequency attached by ClinVar (database versions not stated): 1000 Genomes Project 0.30292; 1000 Genomes Project 30x 0.31012; TOPMed 0.37182; gnomAD 0.37368 and 0.37814; gnomAD exomes 0.40190.
gnomAD v4.1: 633,699 of 1,589,798 alleles (40%); highest among the groups gnomAD compares: Admixed American, 50%; 130,540 homozygotes.

Submissions (2):

GeneDx
Classification: Benign. Last evaluated: 2018-06-18. Review status: criteria provided, single submitter. Criteria: GeneDx Variant Classification (06012015). Collection method: clinical testing. Allele origin: germline. Affected: yes.
Comment: This variant is considered likely benign or benign based on one or more of the following criteria: it is a conservative change, it occurs at a poorly conserved position in the protein, it is predicted to be benign by multiple in silico algorithms, and/or has population frequency not consistent with disease.

Breakthrough Genomics
Classification: Benign. Review status: criteria provided, single submitter. Criteria: ACMG Guidelines, 2015. Collection method: not provided. Allele origin: germline. Inheritance: Unknown mechanism. Affected: yes.

NM_001018116.2(CAVIN4):c.-57G>A

Gene: CAVIN4 (caveolae associated protein 4; plus strand). Cytogenetic location: 9q31.1.
Variant type: single nucleotide variant.
Coding change: c.-57G>A on transcript NM_001018116.2 (MANE Select); 57 bases upstream of the start codon, G replaced by A.
Molecular consequence: 5 prime UTR variant.
Genome position (GRCh38, 1-based): chr9:100,578,087, G>A. VCF-style: chr9-100578087-G-A. GRCh37 (hg19) VCF-style: chr9-103340369-G-A.
Identifiers: ClinVar variation 674700 (VCV000674700.2), dbSNP rs1226590, ClinGen allele CA13016564.
Genomic context (GRCh38, chr9:100,578,087, plus strand): 5'-TAGGGGTGGGGTTTCCAACTCTTTAAACAACCCTGTTGCCTGTTATCAAGCTGACTTTTT[G>A]CTCCAAGTGCCAGAATTGATTGTGGTTAGGACATCTTACGCTGAGAAATAAATAAAATGG-3'